The following is an entry in ClinVar:

ClinVar aggregate classification (germline): Likely benign (0 of 4 stars; one submission).

Conditions:
ABCC2-related disorder. Also called: ABCC2-related condition.

Submission:

PreventionGenetics, part of Exact Sciences
Classification: Likely benign for ABCC2-related condition. Last evaluated: 2024-09-23. Review status: no assertion criteria provided. Collection method: clinical testing. Allele origin: germline.
Comment: This variant is classified as likely benign based on ACMG/AMP sequence variant interpretation guidelines (Richards et al. 2015 PMID: 25741868, with internal and published modifications).

NM_000392.5(ABCC2):c.1575A>C (p.Val525=)

Gene: ABCC2 (ATP binding cassette subfamily C member 2; plus strand). Cytogenetic location: 10q24.2.
Variant type: single nucleotide variant.
Coding change: c.1575A>C on transcript NM_000392.5 (MANE Select); coding-DNA position 1575, A replaced by C.
Protein change: p.Val525=; no amino-acid change (valine 525 retained).
Molecular consequence: synonymous variant.
Genome position (GRCh38, 1-based): chr10:99,807,428, A>C. VCF-style: chr10-99807428-A-C. GRCh37 (hg19) VCF-style: chr10-101567185-A-C.
Identifiers: ClinVar variation 3347620 (VCV003347620.1).